The following is an entry in ClinVar:

NM_001378454.1(ALMS1):c.442G>T (p.Asp148Tyr)

Gene: ALMS1 (ALMS1 centrosome and basal body associated protein; plus strand). Cytogenetic location: 2p13.1.
Variant type: single nucleotide variant.
Coding change: c.442G>T on transcript NM_001378454.1 (MANE Select); coding-DNA position 442, G replaced by T.
Protein change: p.Asp148Tyr; replaces aspartic acid 148 with tyrosine.
Molecular consequence: missense variant.
Genome position (GRCh38, 1-based): chr2:73,408,739, G>T. VCF-style: chr2-73408739-G-T. GRCh37 (hg19) VCF-style: chr2-73635867-G-T.
Other names: c.445G>T, p.Asp149Tyr (NM_015120.4); short protein forms D148Y, D149Y.
Identifiers: ClinVar variation 4275335 (VCV004275335.1).

ClinVar aggregate classification (germline): Uncertain significance (1 of 4 stars; one submission).

Conditions:
Cardiovascular phenotype. Identifiers: MedGen CN230736.

Submission:

Ambry Genetics
Classification: Uncertain significance for Cardiovascular phenotype. Last evaluated: 2025-09-11. Review status: criteria provided, single submitter. Criteria: Ambry Variant Classification Scheme 2023. Collection method: clinical testing. Allele origin: germline.
Comment: The p.D149Y variant (also known as c.445G>T), located in coding exon 2 of the ALMS1 gene, results from a G to T substitution at nucleotide position 445. The aspartic acid at codon 149 is replaced by tyrosine, an amino acid with highly dissimilar properties. This amino acid position is well conserved in available vertebrate species. In addition, this alteration is predicted to be tolerated by in silico analysis. Based on the available evidence, the clinical significance of this variant remains unclear.